The following is an entry in ClinVar:

ClinVar aggregate classification (germline): Conflicting classifications of pathogenicity. Review status: criteria provided, conflicting classifications (1 of 4 stars). 3 submissions from 3 submitters: Likely pathogenic (1); Uncertain significance (2). Last evaluated 2025-09-07.

Conditions:
Aortic valve disease 2 (AOVD2). Identifiers: MedGen C3542024, MONDO:0013902, OMIM 614823.

Submissions (3):

Mayo Clinic Laboratories, Mayo Clinic
Classification: Likely pathogenic. Last evaluated: 2025-09-07. Review status: criteria provided, single submitter. Criteria: ACMG Guidelines, 2015. Collection method: clinical testing. Allele origin: germline. Observed: 2 variant alleles.
Comment: PP3_strong, PM1_supporting, PM2_supporting

GeneDx
Classification: Uncertain significance. Last evaluated: 2024-11-12. Review status: criteria provided, single submitter. Criteria: GeneDx Variant Classification Process June 2021. Collection method: clinical testing. Allele origin: germline. Affected: yes.
Comment: Not observed at significant frequency in large population cohorts (gnomAD); In silico analysis supports that this missense variant has a deleterious effect on protein structure/function; Has not been previously published as pathogenic or benign to our knowledge

Labcorp Genetics (formerly Invitae), Labcorp
Classification: Uncertain significance for Aortic valve disease 2. Last evaluated: 2024-03-25. Review status: criteria provided, single submitter. Criteria: Invitae Variant Classification Sherloc (09022015). Collection method: clinical testing. Allele origin: germline.
Comment: This sequence change replaces leucine, which is neutral and non-polar, with proline, which is neutral and non-polar, at codon 160 of the TBX5 protein (p.Leu160Pro). This variant is not present in population databases (gnomAD no frequency). This variant has not been reported in the literature in individuals affected with TBX5-related conditions. Advanced modeling of protein sequence and biophysical properties (such as structural, functional, and spatial information, amino acid conservation, physicochemical variation, residue mobility, and thermodynamic stability) has been performed at Invitae for this missense variant, however the output from this modeling did not meet the statistical confidence thresholds required to predict the impact of this variant on TBX5 protein function. In summary, the available evidence is currently insufficient to determine the role of this variant in disease. Therefore, it has been classified as a Variant of Uncertain Significance.

Literature cited by the submitters: PubMed 20450920 (cited by Mayo Clinic Laboratories, Mayo Clinic); PubMed 25233087 (cited by Mayo Clinic Laboratories, Mayo Clinic).

NM_181486.4(TBX5):c.479T>C (p.Leu160Pro)

Gene: TBX5 (T-box transcription factor 5; minus strand). Cytogenetic location: 12q24.21.
Variant type: single nucleotide variant.
Coding change: c.479T>C on transcript NM_181486.4 (MANE Select); coding-DNA position 479, T replaced by C.
Protein change: p.Leu160Pro; replaces leucine 160 with proline.
Molecular consequence: missense variant.
Genome position (GRCh38, 1-based): chr12:114,398,604, A>G on the plus strand (T>C on the coding strand, the complement: TBX5 is on the minus strand). VCF-style: chr12-114398604-A-G. GRCh37 (hg19) VCF-style: chr12-114836409-A-G.
Other names: p.Leu160Pro; c.479T>C, p.Leu160Pro (NM_000192.3); c.329T>C, p.Leu110Pro (NM_080717.4); short protein forms L110P, L160P.
Identifiers: ClinVar variation 2902283 (VCV002902283.5), dbSNP rs2540471405, ClinGen allele CA386862006.
Genomic context (GRCh38, chr12:114,398,604, plus strand): 5'-AGGCGGGGAATCCAGGCCACGGTACTCACATGCCCAAATGGGTCCAGGTGGTTGTTGGTG[A>G]GCTTGAGTTTCTGGAAGGAGACGAGCTGCCTCATCCAATGCGCCCCGGTGGCGGGGGAGT-3'
Protein context (NP_852259.1, residues 150-170): RQLVSFQKLK[Leu160Pro]TNNHLDPFGH